The following is an entry in ClinVar:

ClinVar aggregate classification (germline): Pathogenic/Likely pathogenic. Review status: criteria provided, multiple submitters, no conflicts (2 of 4 stars). 14 submissions from 13 submitters: Pathogenic (5); Likely pathogenic (5). 4 of the submissions do not count toward it. Last evaluated 2025-12-20.

Conditions:
MFN2-related disorder. Also called: MFN2-related condition; MFN2-related disorders.
Charcot-Marie-Tooth disease type 2A2. Also called: CHARCOT-MARIE-TOOTH DISEASE, NEURONAL, TYPE 2A2; Charcot-Marie-Tooth Neuropathy Type 2A2; CHARCOT-MARIE-TOOTH DISEASE, AXONAL, TYPE 2A2; HEREDITARY MOTOR AND SENSORY NEUROPATHY IIA2; HMSN IIA2; CHARCOT-MARIE-TOOTH DISEASE, AXONAL, AUTOSOMAL DOMINANT, TYPE 2A2A. Identifiers: Orphanet 99947, MedGen C4721887, MONDO:0012231, OMIM 609260.
Neuropathy, hereditary motor and sensory, type 6A (HMSN6A). Also called: NEUROPATHY, HEREDITARY MOTOR AND SENSORY, TYPE VIA, WITH OPTIC ATROPHY; NEUROPATHY, HEREDITARY MOTOR AND SENSORY, TYPE VIA; HMSN VIA; CHARCOT-MARIE-TOOTH DISEASE, TYPE 6A. Identifiers: MedGen CN305336, MONDO:0011002, OMIM 601152.
Inborn genetic diseases. Identifiers: MedGen C0950123, MeSH D030342.
Charcot-Marie-Tooth disease, axonal, autosomal recessive, type 2a2b;. Also called: Charcot-Marie-Tooth disease, axonal, type 2A2B; Charcot-Marie-Tooth disease, axonal, autosomal recessive, type 2A2B. Identifiers: MedGen C4310725, MONDO:0014906, OMIM 617087.
Charcot-Marie-Tooth disease. Also called: Charcot-Marie-Tooth Hereditary Neuropathy; Charcot-Marie-Tooth Neuropathy. Identifiers: Orphanet 166, MedGen C0007959, MONDO:0015626.
Charcot-Marie-Tooth disease type 2. Also called: Charcot-Marie-Tooth type 2. Identifiers: Orphanet 64746, MedGen C0270914, MONDO:0018993.
Hereditary motor and sensory neuropathy with optic atrophy. Also called: CHARCOT-MARIE-TOOTH DISEASE, TYPE 6; PERIPHERAL NEUROPATHY AND OPTIC ATROPHY. Identifiers: Orphanet 90120, MedGen C0393807, MONDO:0019551.

Allele frequency attached by ClinVar (database versions not stated): ExAC 0.00002; gnomAD 0.00003; gnomAD exomes 0.00003 and 0.00005; TOPMed 0.00004.
gnomAD v4.1: 73 of 1,614,084 alleles (0.0045%); highest among the groups gnomAD compares: Admixed American, 0.005%; no homozygotes.

Submissions (14):

Labcorp Genetics (formerly Invitae), Labcorp
Classification: Pathogenic for Charcot-Marie-Tooth disease type 2. Last evaluated: 2025-12-20. Review status: criteria provided, single submitter. Criteria: Invitae Variant Classification Sherloc (09022015). Collection method: clinical testing. Allele origin: germline.
Comment: This sequence change replaces threonine, which is neutral and polar, with methionine, which is neutral and non-polar, at codon 362 of the MFN2 protein (p.Thr362Met). This variant is present in population databases (rs387906991, gnomAD 0.02%). This missense change has been observed in individual(s) with Charcot-Marie-Tooth disease (PMID: 16835246, 18458227, 21715711, 26114802). In at least one individual the data is consistent with being in trans (on the opposite chromosome) from a pathogenic variant. It has also been observed to segregate with disease in related individuals. ClinVar contains an entry for this variant (Variation ID: 30738). Invitae Evidence Modeling of protein sequence and biophysical properties (such as structural, functional, and spatial information, amino acid conservation, physicochemical variation, residue mobility, and thermodynamic stability) has been performed for this missense variant. However, the output from this modeling did not meet the statistical confidence thresholds required to predict the impact of this variant on MFN2 protein function. For these reasons, this variant has been classified as Pathogenic.

3billion
Classification: Likely pathogenic for MFN2-related disorder. Last evaluated: 2024-11-28. Review status: criteria provided, single submitter. Criteria: ACMG Guidelines, 2015. Collection method: clinical testing. Allele origin: germline. Affected: yes.
Comment: The variant is observed at an extremely low frequency in the gnomAD v4.1.0 dataset (total allele frequency: 0.005%). Predicted Consequence/Location: Missense variant In silico tool predictions suggest damaging effect of the variant on gene or gene product [REVEL: 0.83 (>=0.6, sensitivity 0.68 and specificity 0.92); 3Cnet: 0.95 (>=0.6, sensitivity 0.72 and precision 0.9)]. The same nucleotide change resulting in the same amino acid change has been previously reported as pathogenic/likely pathogenic with strong evidence (ClinVar ID: VCV000030738 /PMID: 16835246). Different missense changes at the same codon (p.Thr362Arg, p.Thr362Pro) have been reported as pathogenic/likely pathogenic with strong evidence (ClinVar ID: VCV000246245, VCV000408317 /PMID: 26392352). Therefore, this variant is classified as Likely pathogenic according to the recommendation of ACMG/AMP guideline.

Kariminejad - Najmabadi Pathology & Genetics Center
Classification: Pathogenic for Charcot-Marie-Tooth disease type 2A2; Neuropathy, hereditary motor and sensory, type 6A. Last evaluated: 2024-05-28. Review status: criteria provided, single submitter. Criteria: ACMG Guidelines, 2015. Collection method: clinical testing. Allele origin: germline. Inheritance: Autosomal recessive inheritance. Affected: yes.
Comment: (PM1,PM2,PM5,PP3,PP5_Moderate)

Blueprint Genetics
Classification: Pathogenic for MFN2-related disorders. Last evaluated: 2023-04-13. Review status: criteria provided, single submitter. Criteria: ACMG Guidelines, 2015. Collection method: clinical testing. Allele origin: germline. Affected: yes. Observed: 2 variant alleles.

Athena Diagnostics
Classification: Pathogenic. Last evaluated: 2022-07-06. Review status: criteria provided, single submitter. Criteria: Athena Diagnostics Criteria. Collection method: clinical testing. Allele origin: unknown.
Comment: The frequency of this variant in the general population is consistent with pathogenicity. This variant is primarily reported in severe, early onset, autosomal recessive form of Charcot-Marie-Tooth type 2A (CMT2A; PMID: 9736777 15786415, 17932099, 18337730, 21387378, 24037712, 28662944). Heterozygous members of these families are reported as asymptomatic. However, this variant has also been reported in autosomal dominant CMT2A (PMID: 16835246, 33475540). Computational tools predict that this variant is damaging.

CMT Laboratory, Bogazici University
Classification: Pathogenic for Charcot-Marie-Tooth disease type 2A2. Last evaluated: 2020-12-01. Review status: criteria provided, single submitter. Criteria: ACMG Guidelines, 2015. Collection method: clinical testing. Allele origin: germline. Affected: yes. Observed: 1 variant allele.

Ambry Genetics
Classification: Likely pathogenic for Inborn genetic diseases. Last evaluated: 2020-10-19. Review status: criteria provided, single submitter. Criteria: Ambry Variant Classification Scheme 2023. Collection method: clinical testing. Allele origin: germline.
Comment: The p.T362M variant (also known as c.1085C>T), located in coding exon 9 of the MFN2 gene, results from a C to T substitution at nucleotide position 1085. The threonine at codon 362 is replaced by methionine, an amino acid with similar properties. This alteration has been reported homozygous in an individual with Charcot-Marie-Tooth disease (CMT) type 2 (CMT2)(Karakaya M et al. Hum Mutat, 2018 09;39:1284-1298) and has been detected in trans with another MFN2 pathogenic mutation in multiple unrelated individuals with CMT2 (Carr AS et al. J Peripher Nerv Syst, 2015 Jun;20:67-71). This alteration has also been reported to segregate with disease in a family with CMT2 (Polke JM et al. Neurology, 2011 Jul;77:168-73). In addition to the clinical data presented in the literature, this amino acid position is highly conserved in available vertebrate species and is predicted to be deleterious by in silico analysis. Based on the supporting evidence, this variant is expected to be causative of Charcot-Marie-Tooth disease (CMT) type 2A2B when present along with a second pathogenic variant on the other allele; however, its clinical significance for Charcot-Marie-Tooth disease (CMT) type 2A2A and hereditary motor and sensory neuropathy VIA is unclear.

Centre for Mendelian Genomics, University Medical Centre Ljubljana
Classification: Likely pathogenic for Neuropathy, hereditary motor and sensory, type 6A. Last evaluated: 2019-06-20. Review status: criteria provided, single submitter. Criteria: ACMG Guidelines, 2015. Collection method: clinical testing. Allele origin: unknown. Affected: yes.
Comment: This variant was classified as: Likely pathogenic. The following ACMG criteria were applied in classifying this variant: PS1,PM1,PM2,PP3.

SIB Swiss Institute of Bioinformatics
Classification: Likely pathogenic for Charcot-Marie-Tooth disease, axonal, autosomal recessive, type 2a2b;. Last evaluated: 2018-04-16. Review status: criteria provided, single submitter. Criteria: ACMG Guidelines, 2015. Collection method: curation. Allele origin: germline.
Comment: This variant is interpreted as a Likely Pathogenic, for Charcot-Marie-Tooth disease, axonal, type 2A2B, Autosomal Recessive inheritance. The following ACMG Tag(s) were applied: PP3 => Multiple lines of computational evidence support a deleterious effect on the gene or gene product. PP1 => Cosegregation with disease in multiple affected family members in a gene definitively known to cause the disease (PMID:21715711). PM2 => Absent from controls (or at extremely low frequency if recessive) in Exome Sequencing Project, 1000 Genomes Project, or Exome Aggregation Consortium. PS4-Moderate => PS4 downgraded in strength to Moderate (PMID:16835246, 21715711, 18458227).

Molecular Genetics Laboratory, London Health Sciences Centre
Classification: Likely pathogenic for Charcot-Marie-Tooth disease. Review status: criteria provided, single submitter. Criteria: ACMG Guidelines, 2015. Collection method: clinical testing. Allele origin: germline. Affected: yes.

Genesis Genome Database
Classification: Uncertain significance for Charcot-Marie-Tooth disease. Last evaluated: 2019-08-14. Review status: no assertion criteria provided. Collection method: research. Allele origin: germline. Affected: yes. Not counted in ClinVar's aggregate classification.

Institute of Human Genetics, Cologne University
Classification: Pathogenic for Charcot-Marie-Tooth disease, axonal, autosomal recessive, type 2a2b;. Last evaluated: 2018-04-25. Review status: no assertion criteria provided. Collection method: clinical testing. Allele origin: germline. Affected: yes. Not counted in ClinVar's aggregate classification.

OMIM
Classification: Pathogenic for CHARCOT-MARIE-TOOTH DISEASE, AXONAL, TYPE 2A2A. Last evaluated: 2011-07-12. Review status: no assertion criteria provided. Collection method: literature only. Allele origin: germline. Not counted in ClinVar's aggregate classification.

OMIM
Classification: Pathogenic for CHARCOT-MARIE-TOOTH DISEASE, AXONAL, TYPE 2A2B, AUTOSOMAL RECESSIVE. Last evaluated: 2011-07-12. Review status: no assertion criteria provided. Collection method: literature only. Allele origin: germline. Not counted in ClinVar's aggregate classification.

Literature cited by the submitters: PubMed 16835246 (cited by 5 submitters); PubMed 18458227 (cited by 4 submitters); PubMed 21715711 (cited by 5 submitters); PubMed 26114802 (cited by 3 submitters); PubMed 26392352 (cited by 3billion); PubMed 33475540 (cited by Athena Diagnostics); PubMed 18957892 (cited by Athena Diagnostics); PubMed 29858556 (cited by Athena Diagnostics and Ambry Genetics); PubMed 24863639 (cited by Athena Diagnostics); PubMed 24819634 (cited by Athena Diagnostics); PubMed 33415332 (cited by Athena Diagnostics); PubMed 29625556 (cited by Athena Diagnostics); PubMed 31701603 (cited by Athena Diagnostics); PubMed 31673878 (cited by CMT Laboratory, Bogazici University).

NM_014874.4(MFN2):c.1085C>T (p.Thr362Met)

Gene: MFN2 (mitofusin 2; plus strand). Cytogenetic location: 1p36.22.
Variant type: single nucleotide variant.
Coding change: c.1085C>T on transcript NM_014874.4 (MANE Select); coding-DNA position 1085, C replaced by T.
Protein change: p.Thr362Met; replaces threonine 362 with methionine.
Molecular consequence: missense variant.
Genome position (GRCh38, 1-based): chr1:12,002,028, C>T. VCF-style: chr1-12002028-C-T. GRCh37 (hg19) VCF-style: chr1-12062085-C-T.
Other names: NM_001127660.1:c.1085C>T(p.Thr362Met); NM_014874.3:c.1085C>T(p.Thr362Met); c.1085C>T, p.Thr362Met (NM_001127660.2); short protein forms T362M.
Identifiers: ClinVar variation 30738 (VCV000030738.22), dbSNP rs387906991, ClinGen allele CA129423.